The following is an entry in ClinVar:

NM_001379081.2(FREM1):c.5490_5491insAGGG (p.Ser1831fs)

Gene: FREM1 (FRAS1 related extracellular matrix 1; minus strand). Cytogenetic location: 9p22.3.
Variant type: Insertion.
Coding change: c.5490_5491insAGGG on transcript NM_001379081.2 (MANE Select); coding-DNA positions 5490 to 5491, AGGG inserted.
Protein change: p.Ser1831fs; shifts the reading frame from serine 1831.
Molecular consequence: frameshift variant. On other transcripts: non-coding transcript variant (2), intron variant (1).
Genome position: GRCh38 VCF-style: chr9-14750193-A-ACCCT. GRCh37 (hg19) VCF-style: chr9-14750191-A-ACCCT.
Other names: c.1098_1099insAGGG, p.Ser367fs (NM_001177704.3, NM_001370061.2); c.5490_5491insAGGG, p.Ser1831fs (NM_144966.7); c.1016-1555_1016-1554insAGGG (NM_001370058.2); short protein forms S1831fs, S367fs.
Identifiers: ClinVar variation 3631510 (VCV003631510.2).

ClinVar aggregate classification (germline): Pathogenic (1 of 4 stars; one submission).

Submission:

Labcorp Genetics (formerly Invitae), Labcorp
Classification: Pathogenic. Last evaluated: 2024-09-17. Review status: criteria provided, single submitter. Criteria: Invitae Variant Classification Sherloc (09022015). Collection method: clinical testing. Allele origin: germline.
Comment: This sequence change creates a premature translational stop signal (p.Ser1831Argfs*86) in the FREM1 gene. It is expected to result in an absent or disrupted protein product. Loss-of-function variants in FREM1 are known to be pathogenic (PMID: 19732862, 21507892). This variant is not present in population databases (gnomAD no frequency). This variant has not been reported in the literature in individuals affected with FREM1-related conditions. Algorithms developed to predict the effect of sequence changes on RNA splicing suggest that this variant may disrupt the consensus splice site. For these reasons, this variant has been classified as Pathogenic.

Literature cited by the submitters: PubMed 19732862; PubMed 21507892.